The following is an entry in ClinVar:

NM_001365276.2(TNXB):c.8132T>C (p.Ile2711Thr)

Gene: TNXB (tenascin XB; minus strand). Cytogenetic location: 6p21.33.
Variant type: single nucleotide variant.
Coding change: c.8132T>C on transcript NM_001365276.2 (MANE Select); coding-DNA position 8132, T replaced by C.
Protein change: p.Ile2711Thr; replaces isoleucine 2711 with threonine.
Molecular consequence: missense variant.
Genome position (GRCh38, 1-based): chr6:32,056,597, A>G on the plus strand (T>C on the coding strand, the complement: TNXB is on the minus strand). VCF-style: chr6-32056597-A-G. GRCh37 (hg19) VCF-style: chr6-32024374-A-G.
Other names: p.Ile2711Thr; c.8132T>C, p.Ile2711Thr (NM_019105.8); short protein forms I2711T.
Identifiers: ClinVar variation 261167 (VCV000261167.47), dbSNP rs28361051, ClinGen allele CA3733956.
Genomic context (GRCh38, chr6:32,056,597, plus strand): 5'-GGGTGACCCTCCCACGGCTCCCACCCTGGGGCTGCCATCATCCACTCACCCGTCACCCCA[A>G]TGACAGAGATGGGGCCCACGCGCTGGCCACCGTGGAAGCCGTACAGGTTCATCTTGTATT-3'
Protein context (NP_001352205.1, residues 2701-2721): GGQRVGPISV[Ile2711Thr]GVTAAEEETP

ClinVar aggregate classification (germline): Benign/Likely benign. Review status: criteria provided, multiple submitters, no conflicts (2 of 4 stars). 11 submissions from 11 submitters: Benign (7); Likely benign (4). Last evaluated 2026-09-01.

Conditions:
Cardiovascular phenotype. Identifiers: MedGen CN230736.
Ehlers-Danlos syndrome (EDS). Identifiers: Orphanet 98249, MedGen C0013720, MONDO:0020066.

Allele frequency attached by ClinVar (database versions not stated): 1000 Genomes Project 30x 0.00265; 1000 Genomes Project 0.00280; ESP Exome Variant Server 0.00700; TOPMed 0.00739; ExAC 0.00932; gnomAD 0.00963 and 0.01025; gnomAD exomes 0.00993 and 0.01042.
gnomAD v4.1: 16,612 of 1,612,982 alleles (1%); highest among the groups gnomAD compares: Non-Finnish European, 1.1%; 130 homozygotes.

Submissions (11):

CeGaT Center for Human Genetics Tuebingen
Classification: Benign. Last evaluated: 2026-09-01. Review status: criteria provided, single submitter. Criteria: CeGaT Center For Human Genetics Tuebingen Variant Classification Criteria Version 2. Collection method: clinical testing. Allele origin: germline. Affected: yes. Observed: 43 variant alleles.
Comment: TNXB: BP4, BS1, BS2

Women's Health and Genetics/Laboratory Corporation of America, LabCorp
Classification: Likely benign. Last evaluated: 2026-04-17. Review status: criteria provided, single submitter. Criteria: LabCorp Variant Classification Summary - May 2015. Collection method: clinical testing. Allele origin: germline.
Comment: Variant summary: TNXB c.8132T>C (p.Ile2711Thr) results in a non-conservative amino acid change in the encoded protein sequence. Algorithms developed to predict the effect of missense changes on protein structure and function are either unavailable or do not agree on the potential impact of this missense change. The variant allele was found at a frequency of 0.0099 in 245218 control chromosomes, predominantly at a frequency of 0.01 within the Non-Finnish European subpopulation in the gnomAD database, including 3 homozygotes. The observed variant frequency within Non-Finnish European control individuals in the gnomAD database exceeds the estimated maximal expected allele frequency for disease-causing variants in TNXB. c.8132T>C has been observed in an individual affected with Intracranial vertebral-basilar artery dissection without strong evidence for causality (Wang_2018). These report(s) do not provide unequivocal conclusions about association of the variant with Ehlers-Danlos syndrome due to tenascin-X deficiency. To our knowledge, no experimental evidence demonstrating an impact on protein function has been reported. The following publication have been ascertained in the context of this evaluation (PMID: 30115950). ClinVar contains an entry for this variant (Variation ID: 261167). Based on the evidence outlined above, the variant was classified as likely benign.

Labcorp Genetics (formerly Invitae), Labcorp
Classification: Benign. Last evaluated: 2026-02-02. Review status: criteria provided, single submitter. Criteria: Invitae Variant Classification Sherloc (09022015). Collection method: clinical testing. Allele origin: germline.

Blueprint Genetics
Classification: Likely benign. Last evaluated: 2024-11-26. Review status: criteria provided, single submitter. Criteria: ACMG Guidelines, 2015. Collection method: clinical testing. Allele origin: germline.

Mayo Clinic Laboratories, Mayo Clinic
Classification: Benign. Last evaluated: 2023-03-15. Review status: criteria provided, single submitter. Criteria: ACMG Guidelines, 2015. Collection method: clinical testing. Allele origin: germline. Observed: 61 variant alleles.
Comment: BS1, BP4_strong

Genome Diagnostics Laboratory, The Hospital for Sick Children
Classification: Benign for Ehlers-Danlos syndrome. Last evaluated: 2022-05-27. Review status: criteria provided, single submitter. Criteria: ACMG Guidelines, 2015. Collection method: clinical testing. Allele origin: germline.

GeneDx
Classification: Benign. Last evaluated: 2019-07-25. Review status: criteria provided, single submitter. Criteria: GeneDx Variant Classification Process June 2021. Collection method: clinical testing. Allele origin: germline. Affected: yes.

Ambry Genetics
Classification: Benign for Cardiovascular phenotype. Last evaluated: 2018-12-17. Review status: criteria provided, single submitter. Criteria: Ambry Variant Classification Scheme 2023. Collection method: clinical testing. Allele origin: germline.

Center for Pediatric Genomic Medicine, Children's Mercy Hospital and Clinics
Classification: Likely benign. Last evaluated: 2017-03-03. Review status: criteria provided, single submitter. Criteria: ACMG Guidelines, 2015. Collection method: clinical testing. Allele origin: germline.

Breakthrough Genomics
Classification: Likely benign. Review status: criteria provided, single submitter. Criteria: ACMG Guidelines, 2015. Collection method: not provided. Allele origin: germline. Inheritance: Autosomal recessive inheritance. Affected: yes.

PreventionGenetics, part of Exact Sciences
Classification: Benign. Review status: criteria provided, single submitter. Criteria: ACMG Guidelines, 2015. Collection method: clinical testing. Allele origin: germline.

Literature cited by the submitters: PubMed 30115950 (cited by Women's Health and Genetics/Laboratory Corporation of America, LabCorp).